The following is an entry in ClinVar:

NM_000441.2(SLC26A4):c.164+2T>C

Gene: SLC26A4 (solute carrier family 26 member 4; plus strand). Cytogenetic location: 7q22.3.
Variant type: single nucleotide variant.
Coding change: c.164+2T>C on transcript NM_000441.2 (MANE Select); the canonical splice donor site of the intron after coding-DNA position 164, T replaced by C.
Molecular consequence: splice donor variant.
Genome position (GRCh38, 1-based): chr7:107,661,807, T>C. VCF-style: chr7-107661807-T-C. GRCh37 (hg19) VCF-style: chr7-107302252-T-C.
Identifiers: ClinVar variation 43518 (VCV000043518.26), dbSNP rs397516420, ClinGen allele CA261417.

ClinVar aggregate classification (germline): Pathogenic. Review status: criteria provided, multiple submitters, no conflicts (2 of 4 stars). 9 submissions from 9 submitters: Pathogenic (8). 1 of the submissions does not count toward it. Last evaluated 2025-11-05.

Conditions:
Rare genetic deafness. Identifiers: Orphanet 96210, MedGen C5680250.
SLC26A4-related disorder. Also called: SLC26A4-related condition; SLC26A4-related disorders.
Autosomal recessive nonsyndromic hearing loss 4 (DFNB4). Also called: FOXI1-Related Pendred Syndrome; KCNJ10-Related Pendred Syndrome; Deafness, autosomal recessive 4; DEAFNESS, AUTOSOMAL RECESSIVE 4, WITH ENLARGED VESTIBULAR AQUEDUCT, DIGENIC; NEUROSENSORY NONSYNDROMIC RECESSIVE DEAFNESS 4; Nonsyndromic enlarged vestibular aqueduct (NSEVA). Identifiers: Orphanet 90636, MedGen C3538946, MONDO:0010933, OMIM 600791.
Pendred syndrome (PDS). Also called: DEAFNESS WITH GOITER; GOITER-DEAFNESS SYNDROME; HYPOTHYROIDISM, CONGENITAL, DUE TO DYSHORMONOGENESIS, 2B; THYROID DYSHORMONOGENESIS 2B; THYROID HORMONOGENESIS, GENETIC DEFECT IN, 2B; Pendred's syndrome. Identifiers: Orphanet 705, MedGen C0271829, MONDO:0010134, OMIM 274600.

Allele frequency attached by ClinVar (database versions not stated): gnomAD exomes 0.00001.
gnomAD v4.1: 11 of 1,535,336 alleles (0.00072%); highest among the groups gnomAD compares: African/African-American, 0.0014%; no homozygotes.

Submissions (9):

Labcorp Genetics (formerly Invitae), Labcorp
Classification: Pathogenic. Last evaluated: 2025-11-05. Review status: criteria provided, single submitter. Criteria: Invitae Variant Classification Sherloc (09022015). Collection method: clinical testing. Allele origin: germline.
Comment: This sequence change affects a donor splice site in intron 2 of the SLC26A4 gene. It is expected to disrupt RNA splicing. Variants that disrupt the donor or acceptor splice site typically lead to a loss of protein function (PMID: 16199547), and loss-of-function variants in SLC26A4 are known to be pathogenic (PMID: 16283880, 25394566, 26252218, 26445815). This variant is not present in population databases (gnomAD no frequency). Disruption of this splice site has been observed in individual(s) with clinical features of Pendred Syndrome (PMID: 25724631, 26969326, 29196752). In at least one individual the data is consistent with being in trans (on the opposite chromosome) from a pathogenic variant. This variant is also known as IVS2+2T>C. ClinVar contains an entry for this variant (Variation ID: 43518). Algorithms developed to predict the effect of sequence changes on RNA splicing suggest that this variant may disrupt the consensus splice site. For these reasons, this variant has been classified as Pathogenic.

Revvity Omics, Revvity
Classification: Pathogenic. Last evaluated: 2025-01-07. Review status: criteria provided, single submitter. Criteria: ACMG Guidelines, 2015. Collection method: clinical testing. Allele origin: germline.

GeneDx
Classification: Pathogenic. Last evaluated: 2024-07-03. Review status: criteria provided, single submitter. Criteria: GeneDx Variant Classification Process June 2021. Collection method: clinical testing. Allele origin: germline. Affected: yes.
Comment: Canonical splice site variant predicted to result in a null allele in a gene for which loss of function is a known mechanism of disease; Not observed at significant frequency in large population cohorts (gnomAD); This variant is associated with the following publications: (PMID: 26969326)

Baylor Genetics
Classification: Pathogenic for Autosomal recessive nonsyndromic hearing loss 4. Last evaluated: 2024-03-27. Review status: criteria provided, single submitter. Criteria: ACMG Guidelines, 2015. Collection method: clinical testing. Allele origin: unknown.

Natera, Inc.
Classification: Pathogenic for Pendred syndrome. Last evaluated: 2024-03-15. Review status: criteria provided, single submitter. Criteria: Natera Variant Classification Schema (03/2026). Collection method: clinical testing. Allele origin: germline.
Comment: The c.164+2T>C variant in SLC26A4 is a canonical splice donor site variant predicted to affect pre-mRNA splicing, which may result in an abnormal transcript and altered protein product. This variant is expected to result in nonsense mediated decay, truncation, or a dysfunctional protein product. This variant is rare in the general population with a frequency below the threshold expected for the associated phenotype(s). This variant has been observed in one or more individuals affected with the associated recessive disease, as either homozygous or compound heterozygous with a second variant (PMID: 26969326). Given the available evidence, this variant is classified as Pathogenic.

Genome-Nilou Lab
Classification: Pathogenic for Pendred syndrome. Last evaluated: 2021-09-05. Review status: criteria provided, single submitter. Criteria: ACMG Guidelines, 2015. Collection method: clinical testing. Allele origin: germline. Affected: no.

Blueprint Genetics
Classification: Pathogenic for SLC26A4-related disorders. Last evaluated: 2020-03-31. Review status: criteria provided, single submitter. Criteria: ACMG Guidelines, 2015. Collection method: clinical testing. Allele origin: germline. Affected: yes. Observed: 1 variant allele.

Laboratory for Molecular Medicine, Mass General Brigham Personalized Medicine
Classification: Pathogenic for Rare genetic deafness. Last evaluated: 2012-03-26. Review status: criteria provided, single submitter. Criteria: LMM Criteria. Collection method: clinical testing. Allele origin: germline. Inheritance: Autosomal recessive inheritance. Observed: 2 variant alleles.
Comment: The 164+2T>C variant in SLC26A4 has not been reported in the literature. The 164+2T>C varia nt is predicted to cause abnormal splicing because the nucleotide substitution o ccurs in the invariant region of the splice consensus sequence. In summary, this variant meets our criteria to be classified as pathogenic.

Counsyl
Classification: Pathogenic for Pendred syndrome. Last evaluated: 2019-07-12. Review status: no assertion criteria provided. Collection method: clinical testing. Allele origin: unknown. Not counted in ClinVar's aggregate classification.

Literature cited by the submitters: PubMed 16199547 (cited by Labcorp Genetics (formerly Invitae), Labcorp); PubMed 16283880 (cited by Labcorp Genetics (formerly Invitae), Labcorp); PubMed 25394566 (cited by Labcorp Genetics (formerly Invitae), Labcorp); PubMed 26252218 (cited by Labcorp Genetics (formerly Invitae), Labcorp); PubMed 26445815 (cited by Labcorp Genetics (formerly Invitae), Labcorp); PubMed 25724631 (cited by Labcorp Genetics (formerly Invitae), Labcorp); PubMed 26969326 (cited by 3 submitters); PubMed 29196752 (cited by Labcorp Genetics (formerly Invitae), Labcorp and Counsyl).